The following is an entry in ClinVar:

ClinVar aggregate classification (germline): Pathogenic (1 of 4 stars; one submission).

Conditions:
Cohen syndrome (COH1). Also called: Cutis verticis gyrata, retinitis pigmentosa, and sensorineural deafness; PEPPER SYNDROME. Identifiers: Orphanet 193, MedGen C0265223, MONDO:0008999, OMIM 216550.

Submission:

Labcorp Genetics (formerly Invitae), Labcorp
Classification: Pathogenic for Cohen syndrome. Last evaluated: 2023-12-19. Review status: criteria provided, single submitter. Criteria: Invitae Variant Classification Sherloc (09022015). Collection method: clinical testing. Allele origin: unknown.
Comment: This variant is a gross deletion of the genomic region encompassing exon(s) 59-62 of the VPS13B gene, which includes the termination codon. This deletion extends beyond the assayed region for this gene and therefore may encompass additional genes. While this deletion is not anticipated to lead to nonsense mediated decay, it is expected to alter mRNA translation or result in a truncated protein product. This variant has not been reported in the literature in individuals affected with VPS13B-related conditions. This variant disrupts a region of the VPS13B protein in which other variant(s) (p.Lys3991Leufs*23) have been determined to be pathogenic (Invitae). This suggests that this is a clinically significant region of the protein, and that variants that disrupt it are likely to be disease-causing. For these reasons, this variant has been classified as Pathogenic.

NC_000008.10:g.(?_100880497)_(100887894_?)del

Gene: VPS13B (vacuolar protein sorting 13 homolog B; plus strand). Cytogenetic location: 8q22.2.
Variant type: Deletion.
Identifiers: ClinVar variation 3245463 (VCV003245463.1).